The following is an entry in ClinVar:

ClinVar aggregate classification (germline): Uncertain significance (1 of 4 stars; one submission).

Conditions:
Familial thoracic aortic aneurysm and aortic dissection (TAAD). Also called: Thoracic aortic aneurysms and dissections. Identifiers: Orphanet 91387, MedGen C4707243, MONDO:0019625.

Submission:

Color Diagnostics, LLC DBA Color Health
Classification: Uncertain significance for Familial thoracic aortic aneurysm and aortic dissection. Last evaluated: 2019-09-04. Review status: criteria provided, single submitter. Criteria: ACMG Guidelines, 2015. Collection method: clinical testing. Allele origin: germline.
Comment: This missense variant replaces cysteine with glycine at codon 135 of the TGFBR1 protein. Computational prediction tools and conservation analyses suggest that this variant may have deleterious impact on protein structure and function. Splice site prediction tools suggest that this variant may not impact RNA splicing. To our knowledge, functional studies have not been performed for this variant. This variant has not been reported in individuals affected with cardiovascular disorders in the literature. This variant has not been identified in the general population by the Genome Aggregation Database (gnomAD). The available evidence is insufficient to determine the role of this variant in disease conclusively. Therefore, this variant is classified as a Variant of Uncertain Significance.

NM_004612.4(TGFBR1):c.403T>G (p.Cys135Gly)

Gene: TGFBR1 (transforming growth factor beta receptor 1; plus strand). Cytogenetic location: 9q22.33.
Variant type: single nucleotide variant.
Coding change: c.403T>G on transcript NM_004612.4 (MANE Select); coding-DNA position 403, T replaced by G.
Protein change: p.Cys135Gly; replaces cysteine 135 with glycine.
Molecular consequence: missense variant. On other transcripts: intron variant (1).
Genome position (GRCh38, 1-based): chr9:99,132,568, T>G. VCF-style: chr9-99132568-T-G. GRCh37 (hg19) VCF-style: chr9-101894850-T-G.
Other names: c.415T>G, p.Cys139Gly (NM_001306210.2); c.343+3468T>G (NM_001130916.3); short protein forms C135G, C139G.
Identifiers: ClinVar variation 925378 (VCV000925378.3), dbSNP rs1827269961, ClinGen allele CA374227918.